The following is an entry in ClinVar:

ClinVar aggregate classification (germline): Uncertain significance. Review status: criteria provided, single submitter (1 of 4 stars). 2 submissions from 2 submitters: Uncertain significance (1). 1 of the submissions does not count toward it. Last evaluated 2023-06-30.

Conditions:
Cohen syndrome (COH1). Also called: PEPPER SYNDROME; Cutis verticis gyrata, retinitis pigmentosa, and sensorineural deafness. Identifiers: Orphanet 193, MedGen C0265223, MONDO:0008999, OMIM 216550.

Allele frequency attached by ClinVar (database versions not stated): TOPMed below 0.00001.

Submissions (2):

Labcorp Genetics (formerly Invitae), Labcorp
Classification: Uncertain significance for Cohen syndrome. Last evaluated: 2023-06-30. Review status: criteria provided, single submitter. Criteria: Invitae Variant Classification Sherloc (09022015). Collection method: clinical testing. Allele origin: germline.
Comment: In summary, the available evidence is currently insufficient to determine the role of this variant in disease. Therefore, it has been classified as a Variant of Uncertain Significance. Advanced modeling of protein sequence and biophysical properties (such as structural, functional, and spatial information, amino acid conservation, physicochemical variation, residue mobility, and thermodynamic stability) performed at Invitae indicates that this missense variant is expected to disrupt VPS13B protein function. ClinVar contains an entry for this variant (Variation ID: 1713783). This variant has not been reported in the literature in individuals affected with VPS13B-related conditions. This variant is not present in population databases (gnomAD no frequency). This sequence change replaces glycine, which is neutral and non-polar, with glutamic acid, which is acidic and polar, at codon 3812 of the VPS13B protein (p.Gly3812Glu).

Natera, Inc.
Classification: Uncertain significance for Cohen syndrome. Last evaluated: 2025-01-17. Review status: no assertion criteria provided. Collection method: clinical testing. Allele origin: germline. Not counted in ClinVar's aggregate classification.

NM_152564.5(VPS13B):c.11360G>A (p.Gly3787Glu)

Gene: VPS13B (vacuolar protein sorting 13 homolog B; plus strand). Cytogenetic location: 8q22.2.
Variant type: single nucleotide variant.
Coding change: c.11360G>A on transcript NM_152564.5 (MANE Select); coding-DNA position 11360, G replaced by A.
Protein change: p.Gly3787Glu; replaces glycine 3787 with glutamic acid.
Molecular consequence: missense variant.
Genome position (GRCh38, 1-based): chr8:99,868,433, G>A. VCF-style: chr8-99868433-G-A. GRCh37 (hg19) VCF-style: chr8-100880661-G-A.
Other names: c.11435G>A, p.Gly3812Glu (NM_017890.5); short protein forms G3787E, G3812E.
Identifiers: ClinVar variation 1713783 (VCV001713783.5), dbSNP rs990005107, ClinGen allele CA182328697.